The following is an entry in ClinVar:

ClinVar aggregate classification (germline): Uncertain significance (1 of 4 stars; one submission).

Allele frequency attached by ClinVar (database versions not stated): gnomAD exomes 0.00001.
gnomAD v4.1: 3 of 1,614,210 alleles (0.00019%); highest among the groups gnomAD compares: Admixed American, 0.005%; no homozygotes.

Submission:

Labcorp Genetics (formerly Invitae), Labcorp
Classification: Uncertain significance. Last evaluated: 2025-03-21. Review status: criteria provided, single submitter. Criteria: Invitae Variant Classification Sherloc (09022015). Collection method: clinical testing. Allele origin: germline.
Comment: This sequence change replaces asparagine, which is neutral and polar, with aspartic acid, which is acidic and polar, at codon 166 of the DDX58 protein (p.Asn166Asp). This variant is present in population databases (no rsID available, gnomAD 0.009%). This variant has not been reported in the literature in individuals affected with DDX58-related conditions. ClinVar contains an entry for this variant (Variation ID: 1484229). An algorithm developed to predict the effect of missense changes on protein structure and function (PolyPhen-2) suggests that this variant is likely to be disruptive. In summary, the available evidence is currently insufficient to determine the role of this variant in disease. Therefore, it has been classified as a Variant of Uncertain Significance.

NM_014314.4(RIGI):c.496A>G (p.Asn166Asp)

Gene: RIGI (RNA sensor RIG-I; minus strand). Cytogenetic location: 9p21.1.
Variant type: single nucleotide variant.
Coding change: c.496A>G on transcript NM_014314.4 (MANE Select); coding-DNA position 496, A replaced by G.
Protein change: p.Asn166Asp; replaces asparagine 166 with aspartic acid.
Molecular consequence: missense variant. On other transcripts: intron variant (1).
Genome position (GRCh38, 1-based): chr9:32,492,466, T>C on the plus strand (A>G on the coding strand, the complement: RIGI is on the minus strand). VCF-style: chr9-32492466-T-C. GRCh37 (hg19) VCF-style: chr9-32492464-T-C.
Other names: c.496A>G, p.Asn166Asp (NM_001385907.1, NM_001385909.1); c.55A>G, p.Asn19Asp (NM_001385910.1, NM_001385914.1); c.481A>G, p.Asn161Asp (NM_001385913.1); c.-38-1046A>G (NM_001385912.1); short protein forms N19D, N166D, N161D.
Identifiers: ClinVar variation 1484229 (VCV001484229.8), dbSNP rs970691810, ClinGen allele CA373163451.